The following is an entry in ClinVar:

ClinVar aggregate classification (germline): Uncertain significance (1 of 4 stars; one submission).

Submission:

Labcorp Genetics (formerly Invitae), Labcorp
Classification: Uncertain significance. Last evaluated: 2021-08-22. Review status: criteria provided, single submitter. Criteria: Invitae Variant Classification Sherloc (09022015). Collection method: clinical testing. Allele origin: germline.
Comment: In summary, the available evidence is currently insufficient to determine the role of this variant in disease. Therefore, it has been classified as a Variant of Uncertain Significance. This variant has not been reported in the literature in individuals affected with NBAS-related conditions. Experimental studies and prediction algorithms are not available or were not evaluated, and the functional significance of this variant is currently unknown. This variant is not present in population databases (ExAC no frequency). This variant, c.751_756del, is a complex sequence change that results in the deletion of 2 amino acid(s) in the NBAS protein (p.Leu251_Leu252del).

NM_015909.4(NBAS):c.751_756del (p.Leu251_Leu252del)

Gene: NBAS (NBAS subunit of NRZ tethering complex; minus strand). Cytogenetic location: 2p24.3.
Variant type: Deletion.
Coding change: c.751_756del on transcript NM_015909.4 (MANE Select); coding-DNA positions 751 to 756, 6 bases deleted (TTACTT; older notation c.751_756delTTACTT).
Protein change: p.Leu251_Leu252del.
Molecular consequence: inframe deletion. On other transcripts: non-coding transcript variant (1).
Genome position (GRCh38, 1-based): chr2:15,511,341-15,511,346, AAGTAA deleted on the plus strand (TTACTT on the coding strand, the reverse complement: NBAS is on the minus strand); deleting any 6 consecutive bases within chr2:15,511,341-15,511,350 gives the same sequence; the c. name uses the placement nearest the transcript's 3' end. VCF-style (leftmost placement, unchanged base first): chr2-15511340-CAAGTAA-C. GRCh37 (hg19) VCF-style: chr2-15651464-CAAGTAA-C.
Identifiers: ClinVar variation 1444058 (VCV001444058.6), dbSNP rs2148648500, ClinGen allele CA2573133122.